The following is an entry in ClinVar:

ClinVar aggregate classification (germline): Uncertain significance (1 of 4 stars; one submission).

Allele frequency attached by ClinVar (database versions not stated): ExAC 0.00006; gnomAD 0.00011 and 0.00013; ESP Exome Variant Server 0.00023.

Submission:

Labcorp Genetics (formerly Invitae), Labcorp
Classification: Uncertain significance. Last evaluated: 2022-08-22. Review status: criteria provided, single submitter. Criteria: Invitae Variant Classification Sherloc (09022015). Collection method: clinical testing. Allele origin: germline.
Comment: This sequence change replaces arginine, which is basic and polar, with tryptophan, which is neutral and slightly polar, at codon 408 of the ARNT2 protein (p.Arg408Trp). This variant is present in population databases (rs142574625, gnomAD 0.01%). This variant has not been reported in the literature in individuals affected with ARNT2-related conditions. ClinVar contains an entry for this variant (Variation ID: 1498826). Algorithms developed to predict the effect of missense changes on protein structure and function are either unavailable or do not agree on the potential impact of this missense change (SIFT: "Deleterious"; PolyPhen-2: "Possibly Damaging"; Align-GVGD: "Class C0"). In summary, the available evidence is currently insufficient to determine the role of this variant in disease. Therefore, it has been classified as a Variant of Uncertain Significance.

NM_014862.4(ARNT2):c.1222C>T (p.Arg408Trp)

Gene: ARNT2 (aryl hydrocarbon receptor nuclear translocator 2; plus strand). Cytogenetic location: 15q25.1.
Variant type: single nucleotide variant.
Coding change: c.1222C>T on transcript NM_014862.4 (MANE Select); coding-DNA position 1222, C replaced by T.
Protein change: p.Arg408Trp; replaces arginine 408 with tryptophan.
Molecular consequence: missense variant.
Genome position (GRCh38, 1-based): chr15:80,563,145, C>T. VCF-style: chr15-80563145-C-T. GRCh37 (hg19) VCF-style: chr15-80855486-C-T.
Other names: short protein forms R408W.
Identifiers: ClinVar variation 1498826 (VCV001498826.5), dbSNP rs142574625, ClinGen allele CA7691961.